The following is an entry in ClinVar:

ClinVar aggregate classification (germline): Uncertain significance. Review status: criteria provided, multiple submitters, no conflicts (2 of 4 stars). 3 submissions from 3 submitters: Uncertain significance (3). Last evaluated 2022-03-15.

Conditions:
Hypotonia, infantile, with psychomotor retardation and characteristic facies 2 (IHPRF2). Also called: UNC80 Deficiency. Identifiers: Orphanet 371364, Orphanet 700333, MedGen C4225203, MONDO:0014777, OMIM 616801.
Inborn genetic diseases. Identifiers: MedGen C0950123, MeSH D030342.

Allele frequency attached by ClinVar (database versions not stated): TOPMed 0.00002; ExAC 0.00004.
gnomAD v4.1: 68 of 1,550,380 alleles (0.0044%); highest among the groups gnomAD compares: Admixed American, 0.0059%; no homozygotes.

Submissions (3):

Labcorp Genetics (formerly Invitae), Labcorp
Classification: Uncertain significance. Last evaluated: 2022-03-15. Review status: criteria provided, single submitter. Criteria: Invitae Variant Classification Sherloc (09022015). Collection method: clinical testing. Allele origin: germline.
Comment: This sequence change replaces arginine, which is basic and polar, with proline, which is neutral and non-polar, at codon 1007 of the UNC80 protein (p.Arg1007Pro). This variant is present in population databases (rs202138404, gnomAD 0.01%). This variant has not been reported in the literature in individuals affected with UNC80-related conditions. ClinVar contains an entry for this variant (Variation ID: 1028451). Algorithms developed to predict the effect of missense changes on protein structure and function are either unavailable or do not agree on the potential impact of this missense change (SIFT: "Not Available"; PolyPhen-2: "Possibly Damaging"; Align-GVGD: "Not Available"). Algorithms developed to predict the effect of sequence changes on RNA splicing suggest that this variant may disrupt the consensus splice site. In summary, the available evidence is currently insufficient to determine the role of this variant in disease. Therefore, it has been classified as a Variant of Uncertain Significance.

Ambry Genetics
Classification: Uncertain significance for Inborn genetic diseases. Last evaluated: 2021-10-18. Review status: criteria provided, single submitter. Criteria: Ambry Variant Classification Scheme 2023. Collection method: clinical testing. Allele origin: germline.

Baylor Genetics
Classification: Uncertain significance for Hypotonia, infantile, with psychomotor retardation and characteristic facies 2. Last evaluated: 2019-11-22. Review status: criteria provided, single submitter. Criteria: ACMG Guidelines, 2015. Collection method: clinical testing. Allele origin: unknown. Affected: yes.
Comment: This variant was determined to be of uncertain significance according to ACMG Guidelines, 2015 [PMID:25741868].

NM_001371986.1(UNC80):c.3020G>C (p.Arg1007Pro)

Gene: UNC80 (unc-80 subunit of NALCN channel complex; plus strand). Cytogenetic location: 2q34.
Variant type: single nucleotide variant.
Coding change: c.3020G>C on transcript NM_001371986.1 (MANE Select); coding-DNA position 3020, G replaced by C.
Protein change: p.Arg1007Pro; replaces arginine 1007 with proline.
Molecular consequence: missense variant.
Genome position (GRCh38, 1-based): chr2:209,834,989, G>C. VCF-style: chr2-209834989-G-C. GRCh37 (hg19) VCF-style: chr2-210699713-G-C.
Other names: c.3020G>C, p.Arg1007Pro (NM_032504.2); c.3005G>C, p.Arg1002Pro (NM_182587.4); short protein forms R1002P, R1007P.
Identifiers: ClinVar variation 1028451 (VCV001028451.4), dbSNP rs202138404, ClinGen allele CA2083067.